The following is an entry in ClinVar:

NM_002660.3(PLCG1):c.2306C>T (p.Pro769Leu)

Gene: PLCG1 (phospholipase C gamma 1; plus strand). Cytogenetic location: 20q12.
Variant type: single nucleotide variant.
Coding change: c.2306C>T on transcript NM_002660.3 (MANE Select); coding-DNA position 2306, C replaced by T.
Protein change: p.Pro769Leu; replaces proline 769 with leucine.
Molecular consequence: missense variant.
Genome position (GRCh38, 1-based): chr20:41,167,856, C>T. VCF-style: chr20-41167856-C-T. GRCh37 (hg19) VCF-style: chr20-39796496-C-T.
Other names: c.2306C>T, p.Pro769Leu (NM_182811.2); short protein forms P769L.
Identifiers: ClinVar variation 4763904 (VCV004763904.1).

ClinVar aggregate classification (germline): Uncertain significance (1 of 4 stars; one submission).

gnomAD v4.1: 5 of 1,612,342 alleles (0.00031%); highest among the groups gnomAD compares: African/African-American, 0.0053%; no homozygotes.

Submission:

Labcorp Genetics (formerly Invitae), Labcorp
Classification: Uncertain significance. Last evaluated: 2026-01-05. Review status: criteria provided, single submitter. Criteria: Invitae Variant Classification Sherloc (09022015). Collection method: clinical testing. Allele origin: germline.
Comment: This sequence change replaces proline, which is neutral and non-polar, with leucine, which is neutral and non-polar, at codon 769 of the PLCG1 protein (p.Pro769Leu). This variant is present in population databases (rs764613972, gnomAD 0.01%). This variant has not been reported in the literature in individuals affected with PLCG1-related conditions. An algorithm developed to predict the effect of missense changes on protein structure and function (PolyPhen-2) suggests that this variant is likely to be tolerated. In summary, the available evidence is currently insufficient to determine the role of this variant in disease. Therefore, it has been classified as a Variant of Uncertain Significance.